The following is an entry in ClinVar:

ClinVar aggregate classification (germline): Uncertain significance (1 of 4 stars; one submission).

Conditions:
Hereditary nonpolyposis colorectal neoplasms. Identifiers: MedGen C0009405, MeSH D003123.

Submission:

Labcorp Genetics (formerly Invitae), Labcorp
Classification: Uncertain significance for Hereditary nonpolyposis colorectal neoplasms. Last evaluated: 2021-08-29. Review status: criteria provided, single submitter. Criteria: Invitae Variant Classification Sherloc (09022015). Collection method: clinical testing. Allele origin: germline.
Comment: This sequence change replaces leucine with valine at codon 373 of the MSH6 protein (p.Leu373Val). The leucine residue is highly conserved and there is a small physicochemical difference between leucine and valine. This variant is not present in population databases (ExAC no frequency). This variant has not been reported in the literature in individuals affected with MSH6-related conditions. Algorithms developed to predict the effect of missense changes on protein structure and function are either unavailable or do not agree on the potential impact of this missense change (SIFT: "Deleterious"; PolyPhen-2: "Probably Damaging"; Align-GVGD: "Class C0"). In summary, the available evidence is currently insufficient to determine the role of this variant in disease. Therefore, it has been classified as a Variant of Uncertain Significance.

NM_000179.3(MSH6):c.1117C>G (p.Leu373Val)

Gene: MSH6 (mutS homolog 6; plus strand). Cytogenetic location: 2p16.3.
Variant type: single nucleotide variant.
Coding change: c.1117C>G on transcript NM_000179.3 (MANE Select); coding-DNA position 1117, C replaced by G.
Protein change: p.Leu373Val; replaces leucine 373 with valine.
Molecular consequence: missense variant.
Genome position (GRCh38, 1-based): chr2:47,799,100, C>G. VCF-style: chr2-47799100-C-G. GRCh37 (hg19) VCF-style: chr2-48026239-C-G.
Other names: c.727C>G, p.Leu243Val (NM_001281492.2); c.211C>G, p.Leu71Val (NM_001281493.2, NM_001281494.2); short protein forms L243V, L373V, L71V.
Identifiers: ClinVar variation 1026683 (VCV001026683.8), dbSNP rs1060502915, ClinGen allele CA346742007.
Genomic context (GRCh38, chr2:47,799,100, plus strand): 5'-AGTGGAGGTGGTGATGACAGTAGTCGCCCTACTGTTTGGTATCATGAAACTTTAGAATGG[C>G]TTAAGGAGGAAAAGAGAAGAGATGAGCACAGGAGGAGGCCTGATCACCCCGATTTTGATG-3'
Protein context (NP_000170.1, residues 363-383): TVWYHETLEW[Leu373Val]KEEKRRDEHR